The following is an entry in ClinVar:

NM_001447.3(FAT2):c.12349_12350delinsAT (p.Pro4117Met)

Genes: FAT2 (FAT atypical cadherin 2; minus strand), SLC36A1 (solute carrier family 36 member 1; plus strand). Cytogenetic location: 5q33.1.
Variant type: Indel.
Coding change: c.12349_12350delinsAT on transcript NM_001447.3 (MANE Select); coding-DNA positions 12349 to 12350, CC replaced by AT.
Protein change: p.Pro4117Met; replaces proline 4117 with methionine.
Molecular consequence: missense variant.
Genome position (GRCh38, 1-based): chr5:151,507,321-151,507,322, GG replaced by AT on the plus strand (CC replaced by AT on the coding strand, the reverse complement: FAT2 is on the minus strand). VCF-style: chr5-151507321-GG-AT. GRCh37 (hg19) VCF-style: chr5-150886882-GG-AT.
Other names: short protein forms P4117M.
Identifiers: ClinVar variation 2416210 (VCV002416210.6), dbSNP rs2480863148, ClinGen allele CA2580073904.

ClinVar aggregate classification (germline): Uncertain significance (1 of 4 stars; one submission).

Submission:

Labcorp Genetics (formerly Invitae), Labcorp
Classification: Uncertain significance. Last evaluated: 2024-10-14. Review status: criteria provided, single submitter. Criteria: Invitae Variant Classification Sherloc (09022015). Collection method: clinical testing. Allele origin: germline.
Comment: This sequence change replaces proline, which is neutral and non-polar, with methionine, which is neutral and non-polar, at codon 4117 of the FAT2 protein (p.Pro4117Met). This variant is present in population databases (no rsID available, gnomAD 0.001%). This variant has not been reported in the literature in individuals affected with FAT2-related conditions. ClinVar contains an entry for this variant (Variation ID: 2416210). An algorithm developed to predict the effect of missense changes on protein structure and function (PolyPhen-2) suggests that this variant is likely to be tolerated. In summary, the available evidence is currently insufficient to determine the role of this variant in disease. Therefore, it has been classified as a Variant of Uncertain Significance.